The following is an entry in ClinVar:

NM_031935.3(HMCN1):c.8750A>G (p.Asp2917Gly)

Gene: HMCN1 (hemicentin 1; plus strand). Cytogenetic location: 1q31.1.
Variant type: single nucleotide variant.
Coding change: c.8750A>G on transcript NM_031935.3 (MANE Select); coding-DNA position 8750, A replaced by G.
Protein change: p.Asp2917Gly; replaces aspartic acid 2917 with glycine.
Molecular consequence: missense variant.
Genome position (GRCh38, 1-based): chr1:186,081,357, A>G. VCF-style: chr1-186081357-A-G. GRCh37 (hg19) VCF-style: chr1-186050489-A-G.
Other names: short protein forms D2917G.
Identifiers: ClinVar variation 2809495 (VCV002809495.3), dbSNP rs1223888223, ClinGen allele CA343915791.
Genomic context (GRCh38, chr1:186,081,357, plus strand): 5'-GTGGCAGCCCAGCACCAAGGAATTCCTGGCAGAAAGATGGACAGCCCTTGCTAGAAGATG[A>G]CCATCATAAATTTCTATCTAATGGACGAATTCTGCAGGTAAAAGTAAAGAAAGATCTAAT-3'
Protein context (NP_114141.2, residues 2907-2927): QKDGQPLLED[Asp2917Gly]HHKFLSNGRI

ClinVar aggregate classification (germline): Uncertain significance (1 of 4 stars; one submission).

gnomAD v4.1: 4 of 1,613,636 alleles (0.00025%); highest among the groups gnomAD compares: Non-Finnish European, 0.00034%; no homozygotes.

Submission:

Labcorp Genetics (formerly Invitae), Labcorp
Classification: Uncertain significance. Last evaluated: 2023-04-08. Review status: criteria provided, single submitter. Criteria: Invitae Variant Classification Sherloc (09022015). Collection method: clinical testing. Allele origin: germline.
Comment: This sequence change replaces aspartic acid, which is acidic and polar, with glycine, which is neutral and non-polar, at codon 2917 of the HMCN1 protein (p.Asp2917Gly). This variant is not present in population databases (gnomAD no frequency). This variant has not been reported in the literature in individuals affected with HMCN1-related conditions. Algorithms developed to predict the effect of missense changes on protein structure and function output the following: SIFT: "Not Available"; PolyPhen-2: "Benign"; Align-GVGD: "Not Available". The glycine amino acid residue is found in multiple mammalian species, which suggests that this missense change does not adversely affect protein function. In summary, the available evidence is currently insufficient to determine the role of this variant in disease. Therefore, it has been classified as a Variant of Uncertain Significance.